The following is an entry in ClinVar:

NM_001366145.2(TRPM3):c.4406G>A (p.Arg1469Gln)

Genes: KLF9-DT (KLF9 divergent transcript; plus strand), TRPM3 (transient receptor potential cation channel subfamily M member 3; minus strand). Cytogenetic location: 9q21.12.
Variant type: single nucleotide variant.
Coding change: c.4406G>A on transcript NM_001366145.2 (MANE Select); coding-DNA position 4406, G replaced by A.
Protein change: p.Arg1469Gln; replaces arginine 1469 with glutamine.
Molecular consequence: missense variant. On other transcripts: intron variant (8).
Genome position (GRCh38, 1-based): chr9:70,536,707, C>T on the plus strand (G>A on the coding strand, the complement: TRPM3 is on the minus strand). VCF-style: chr9-70536707-C-T. GRCh37 (hg19) VCF-style: chr9-73151623-C-T.
Other names: c.4370G>A, p.Arg1457Gln (NM_001007471.4); c.4376G>A, p.Arg1459Gln (NM_001366141.2, NM_001366149.2); c.4481G>A, p.Arg1494Gln (NM_001366147.2); c.3911G>A, p.Arg1304Gln (NM_020952.6); c.3947G>A, p.Arg1316Gln (NM_024971.7); c.3532+415G>A (NM_001366154.2); c.3881G>A, p.Arg1294Gln (NM_206944.5); c.3917G>A, p.Arg1306Gln (NM_206945.5); and 9 more; short protein forms R1316Q, R1319Q, R1459Q, R1304Q, R1329Q, R1457Q, R1494Q, R1294Q.
Identifiers: ClinVar variation 3811019 (VCV003811019.2).
Genomic context (GRCh38, chr9:70,536,707, plus strand): 5'-GTGTAGTCTGAAGAAAAAGATCTAGTGTCCATGGAGGTGATGTCCTCAAAATCAATGCTC[C>T]GGCTTGGAGGTCTGTCTGTGGGTGCAAGTGTTGCATAGGCACTACTTGAAGGGGCTGTGG-3'
Protein context (NP_001353074.1, residues 1459-1479): TLAPTDRPPS[Arg1469Gln]SIDFEDITSM

ClinVar aggregate classification (germline): Conflicting classifications of pathogenicity. Review status: criteria provided, conflicting classifications (1 of 4 stars). 2 submissions from 2 submitters: Uncertain significance (1); Likely benign (1). Last evaluated 2026-08-01.

Conditions:
Inborn genetic diseases. Identifiers: MedGen C0950123, MeSH D030342.

gnomAD v4.1: 60 of 1,613,996 alleles (0.0037%); highest among the groups gnomAD compares: African/African-American, 0.023%; no homozygotes.

Submissions (2):

CeGaT Center for Human Genetics Tuebingen
Classification: Likely benign. Last evaluated: 2026-08-01. Review status: criteria provided, single submitter. Criteria: CeGaT Center For Human Genetics Tuebingen Variant Classification Criteria Version 2. Collection method: clinical testing. Allele origin: germline. Affected: yes. Observed: 1 variant allele.
Comment: TRPM3: BP4

Ambry Genetics
Classification: Uncertain significance for Inborn genetic diseases. Last evaluated: 2025-01-19. Review status: criteria provided, single submitter. Criteria: Ambry Variant Classification Scheme 2023. Collection method: clinical testing. Allele origin: germline.